The following is an entry in ClinVar:

ClinVar aggregate classification (germline): Uncertain significance (1 of 4 stars; one submission).

Conditions:
Alstrom syndrome (ALMS). Identifiers: Orphanet 64, MedGen C0268425, MONDO:0008763, OMIM 203800.

gnomAD v4.1: 17 of 1,614,064 alleles (0.0011%); highest among the groups gnomAD compares: Admixed American, 0.022%; no homozygotes.

Submission:

Labcorp Genetics (formerly Invitae), Labcorp
Classification: Uncertain significance for Alstrom syndrome. Last evaluated: 2025-06-12. Review status: criteria provided, single submitter. Criteria: Invitae Variant Classification Sherloc (09022015). Collection method: clinical testing. Allele origin: germline.
Comment: This sequence change replaces histidine, which is basic and polar, with leucine, which is neutral and non-polar, at codon 3687 of the ALMS1 protein (p.His3687Leu). This variant is present in population databases (no rsID available, gnomAD 0.003%). This variant has not been reported in the literature in individuals affected with ALMS1-related conditions. ClinVar contains an entry for this variant (Variation ID: 2201318). Experimental studies and prediction algorithms are not available or were not evaluated, and the functional significance of this variant is currently unknown. In summary, the available evidence is currently insufficient to determine the role of this variant in disease. Therefore, it has been classified as a Variant of Uncertain Significance.

NM_001378454.1(ALMS1):c.11057A>T (p.His3686Leu)

Gene: ALMS1 (ALMS1 centrosome and basal body associated protein; plus strand). Cytogenetic location: 2p13.1.
Variant type: single nucleotide variant.
Coding change: c.11057A>T on transcript NM_001378454.1 (MANE Select); coding-DNA position 11057, A replaced by T.
Protein change: p.His3686Leu; replaces histidine 3686 with leucine.
Molecular consequence: missense variant.
Genome position (GRCh38, 1-based): chr2:73,572,934, A>T. VCF-style: chr2-73572934-A-T. GRCh37 (hg19) VCF-style: chr2-73800061-A-T.
Other names: c.11060A>T, p.His3687Leu (NM_015120.4); short protein forms H3686L, H3687L.
Identifiers: ClinVar variation 2201318 (VCV002201318.2), dbSNP rs912853018, ClinGen allele CA50386685.